The following is an entry in ClinVar:

NM_181705.4(LYRM7):c.18+10C>T

Gene: LYRM7 (LYR motif containing 7; plus strand). Cytogenetic location: 5q23.3.
Variant type: single nucleotide variant.
Coding change: c.18+10C>T on transcript NM_181705.4 (MANE Select); 10 bases into the intron after coding-DNA position 18, C replaced by T.
Molecular consequence: intron variant.
Genome position (GRCh38, 1-based): chr5:131,171,048, C>T. VCF-style: chr5-131171048-C-T. GRCh37 (hg19) VCF-style: chr5-130506741-C-T.
Other names: c.18+10C>T (NM_001293735.2).
Identifiers: ClinVar variation 506355 (VCV000506355.12), dbSNP rs2285978, ClinGen allele CA3398704.

ClinVar aggregate classification (germline): Benign. Review status: criteria provided, multiple submitters, no conflicts (2 of 4 stars). 2 submissions from 2 submitters: Benign (2). Last evaluated 2026-01-19.

Allele frequency attached by ClinVar (database versions not stated): ESP Exome Variant Server 0.00023; gnomAD 0.00170 and 0.00266; TOPMed 0.00278; gnomAD exomes 0.00447; ExAC 0.00799; 1000 Genomes Project 30x 0.01546; 1000 Genomes Project 0.01677.
gnomAD v4.1: 3,475 of 1,527,368 alleles (0.23%); highest among the groups gnomAD compares: East Asian, 7.5%; 114 homozygotes.

Submissions (2):

Labcorp Genetics (formerly Invitae), Labcorp
Classification: Benign. Last evaluated: 2026-01-19. Review status: criteria provided, single submitter. Criteria: Invitae Variant Classification Sherloc (09022015). Collection method: clinical testing. Allele origin: germline.

GeneDx
Classification: Benign. Last evaluated: 2017-06-13. Review status: criteria provided, single submitter. Criteria: GeneDx Variant Classification (06012015). Collection method: clinical testing. Allele origin: germline. Affected: yes.
Comment: This variant is considered likely benign or benign based on one or more of the following criteria: it is a conservative change, it occurs at a poorly conserved position in the protein, it is predicted to be benign by multiple in silico algorithms, and/or has population frequency not consistent with disease.